The following is an entry in ClinVar:

NM_000238.4(KCNH2):c.1985T>C (p.Ile662Thr)

Gene: KCNH2 (potassium voltage-gated channel subfamily H member 2; minus strand). Cytogenetic location: 7q36.1.
Variant type: single nucleotide variant.
Coding change: c.1985T>C on transcript NM_000238.4 (MANE Select); coding-DNA position 1985, T replaced by C.
Protein change: p.Ile662Thr; replaces isoleucine 662 with threonine.
Molecular consequence: missense variant.
Genome position (GRCh38, 1-based): chr7:150,951,081, A>G on the plus strand (T>C on the coding strand, the complement: KCNH2 is on the minus strand). VCF-style: chr7-150951081-A-G. GRCh37 (hg19) VCF-style: chr7-150648169-A-G.
Other names: c.1985T>C (LRG_288t1); c.965T>C, p.Ile322Thr (NM_001204798.2, NM_172057.3); c.1697T>C, p.Ile566Thr (NM_001406753.1, NM_001406756.1); c.1808T>C, p.Ile603Thr (NM_001406755.1); c.1685T>C, p.Ile562Thr (NM_001406757.1); c.1985T>C, p.Ile662Thr (NM_172056.3); short protein forms I322T, I662T, I562T, I566T, I603T.
Identifiers: ClinVar variation 67353 (VCV000067353.3), dbSNP rs199472980, ClinGen allele CA006146.

ClinVar aggregate classification (germline): not provided (0 of 4 stars; one submission).

Conditions:
Familial long QT syndrome (RWS). Also called: Congenital long QT syndrome; Romano-Ward syndrome; VENTRICULAR FIBRILLATION WITH PROLONGED QT INTERVAL. Identifiers: Orphanet 768, MedGen C1141890, MONDO:0019171.

Submission:

Cardiovascular Biomedical Research Unit, Royal Brompton & Harefield NHS Foundation Trust
No classification provided. Condition: Familial long QT syndrome. Review status: no classification provided. Collection method: literature only. Allele origin: germline.
Comment: This variant has been reported as associated with Long QT syndrome in the following publications (PMID:19716085;PMID:19841300). This is a literature report, and does not necessarily reflect the clinical interpretation of the Imperial College / Royal Brompton Cardiovascular Genetics laboratory.

Literature cited by the submitters: PubMed 19716085; PubMed 19841300; PubMed 22581653.